The following is an entry in ClinVar:

ClinVar aggregate classification (germline): Likely benign. Review status: criteria provided, multiple submitters, no conflicts (2 of 4 stars). 2 submissions from 2 submitters: Likely benign (2). Last evaluated 2024-10-17.

Conditions:
Familial sleep-related hypermotor epilepsy. Also called: Autosomal Dominant Sleep-Related Hypermotor (Hyperkinetic) Epilepsy. Identifiers: Orphanet 98784, MedGen C3696898, MONDO:0000030.

Allele frequency attached by ClinVar (database versions not stated): gnomAD 0.00001; ExAC 0.00001; gnomAD exomes 0.00001; TOPMed 0.00001.

Submissions (2):

Labcorp Genetics (formerly Invitae), Labcorp
Classification: Likely benign. Last evaluated: 2024-10-17. Review status: criteria provided, single submitter. Criteria: Invitae Variant Classification Sherloc (09022015). Collection method: clinical testing. Allele origin: germline.

GeneDx
Classification: Likely benign. Last evaluated: 2017-02-13. Review status: criteria provided, single submitter. Criteria: GeneDx Variant Classification (06012015). Collection method: clinical testing. Allele origin: germline. Affected: yes.
Comment: This variant is considered likely benign or benign based on one or more of the following criteria: it is a conservative change, it occurs at a poorly conserved position in the protein, it is predicted to be benign by multiple in silico algorithms, and/or has population frequency not consistent with disease.

NM_000744.7(CHRNA4):c.840C>T (p.Ser280=)

Gene: CHRNA4 (cholinergic receptor nicotinic alpha 4 subunit; minus strand). Cytogenetic location: 20q13.33.
Variant type: single nucleotide variant.
Coding change: c.840C>T on transcript NM_000744.7 (MANE Select); coding-DNA position 840, C replaced by T.
Protein change: p.Ser280=; no amino-acid change (serine 280 retained).
Molecular consequence: synonymous variant. On other transcripts: non-coding transcript variant (1).
Genome position (GRCh38, 1-based): chr20:63,350,571, G>A on the plus strand (C>T on the coding strand, the complement: CHRNA4 is on the minus strand). VCF-style: chr20-63350571-G-A. GRCh37 (hg19) VCF-style: chr20-61981923-G-A.
Other names: c.312C>T, p.Ser104= (NM_001256573.2).
Identifiers: ClinVar variation 507377 (VCV000507377.11), dbSNP rs776867107, ClinGen allele CA9957717.